The following is an entry in ClinVar:

ClinVar aggregate classification (germline): Likely pathogenic (1 of 4 stars; one submission).

Conditions:
Intellectual developmental disorder, autosomal dominant 65. Also called: MENTAL RETARDATION, AUTOSOMAL DOMINANT 65. Identifiers: MedGen C5543371, MONDO:0023657, OMIM 619320.

Submission:

Variantyx, Inc.
Classification: Likely pathogenic for Intellectual developmental disorder, autosomal dominant 65. Last evaluated: 2025-05-15. Review status: criteria provided, single submitter. Criteria: Variantyx Assertion Criteria 2022. Collection method: clinical testing. Allele origin: germline. Inheritance: Autosomal dominant inheritance. Affected: yes.
Comment: This is a nonsense variant in the KDM4B gene (OMIM: 609765). Pathogenic variants in this gene have been associated with autosomal dominant intellectual developmental disorder 65. This variant introduces a premature termination codon in exon 17 out of 23 and is expected to result in loss of function, which is a known disease mechanism for KDM4B in this disorder (PMID: 33232677) (PVS1). This variant is absent from control populations (PM2). and it has not been reported in individuals with KDM4B-related disorders in the databases available for review. Based on the current evidence, this variant is classified as likely pathogenic for autosomal dominant intellectual developmental disorder 65. Inheritance from an unaffected or mildly affected parent has been reported in the KDM4B gene, consistent with incomplete penetrance and/or variable expressivity (PMID: 33232677).

Literature cited by the submitters: PubMed 33232677; PubMed 27623147.

NM_015015.3(KDM4B):c.2421_2422delinsCT (p.Gln808Ter)

Gene: KDM4B (lysine demethylase 4B; plus strand). Cytogenetic location: 19p13.3.
Variant type: Indel.
Coding change: c.2421_2422delinsCT on transcript NM_015015.3 (MANE Select); coding-DNA positions 2421 to 2422, GC replaced by CT.
Protein change: p.Gln808Ter; replaces glutamine 808 with a stop codon.
Molecular consequence: nonsense.
Genome position (GRCh38, 1-based): chr19:5,137,656-5,137,657, GC replaced by CT. VCF-style: chr19-5137656-GC-CT. GRCh37 (hg19) VCF-style: chr19-5137667-GC-CT.
Other names: c.2523_2524delinsCT, p.Gln842Ter (NM_001411148.1); short protein forms Q808*, Q842*.
Identifiers: ClinVar variation 4850745 (VCV004850745.1).